The following is an entry in ClinVar:

ClinVar aggregate classification (germline): Conflicting classifications of pathogenicity. Review status: criteria provided, conflicting classifications (1 of 4 stars). 7 submissions from 7 submitters: Pathogenic (3); Likely pathogenic (2); Uncertain significance (1). 1 of the submissions does not count toward it. Last evaluated 2026-06-30.

Conditions:
Spastic paraplegia. Identifiers: MedGen C0037772, HP:0001258.
Charlevoix-Saguenay spastic ataxia (SACS). Also called: SPASTIC ATAXIA 6, AUTOSOMAL RECESSIVE; AUTOSOMAL RECESSIVE SPASTIC ATAXIA OF CHARLEVOIX-SAGUENAY; Spastic ataxia of Charlevoix-Saguenay. Identifiers: Orphanet 98, MedGen C1849140, MONDO:0010041, OMIM 270550.

Allele frequency attached by ClinVar (database versions not stated): TOPMed 0.00001.
gnomAD v4.1: 10 of 1,614,200 alleles (0.00062%); highest among the groups gnomAD compares: South Asian, 0.0011%; no homozygotes.

Submissions (7):

Myriad Genetics, Inc.
Classification: Uncertain significance for Charlevoix-Saguenay spastic ataxia. Last evaluated: 2026-06-30. Review status: criteria provided, single submitter. Criteria: Myriad Autosomal Dominant, Autosomal Recessive and X-Linked Classification Criteria (2023). Collection method: clinical testing. Allele origin: unknown.
Comment: NM_014363.4(SACS):c.826C>T(R276C) is a missense variant classified as a variant of uncertain significance in the context of autosomal recessive spastic ataxia of Charlevoix-Saguenay. R276C has been observed in cases with relevant disease (PMID: 22816526, 26288984, 30638817, 26344561). Relevant functional assessments of this variant are not available in the literature. R276C has not been observed in referenced population frequency databases. In summary, there is insufficient evidence to classify NM_014363.4(SACS):c.826C>T(R276C) as pathogenic or benign. Please note: this variant was assessed in the context of healthy population screening.

Variantyx, Inc.
Classification: Likely pathogenic for Charlevoix-Saguenay spastic ataxia. Last evaluated: 2025-11-18. Review status: criteria provided, single submitter. Criteria: Variantyx Assertion Criteria 2022. Collection method: clinical testing. Allele origin: germline. Inheritance: Autosomal recessive inheritance. Affected: no.
Comment: This is a nonsynonymous variant in the SACS gene (OMIM: 604490). Pathogenic variants in this gene have been associated with autosomal recessive spastic ataxia of Charlevoix Saguenay type. This variant has been identified in the compound heterozygous state in at least three individuals reported in the published literature (PMID: 22816526, 30638817) (PM3). It lies within a known hotspot for pathogenic variants or a well-established critical functional domain of the SACS protein (PM1), and multiple computational algorithms predict a deleterious effect for this variant (REVEL score: 0.939) (PP3). This variant has a 0.0011% maximum allele frequency in non-founder control populations (PM2). Based on the current evidence, this variant is classified as likely pathogenic for autosomal recessive spastic ataxia of Charlevoix Saguenay type.

Baylor Genetics
Classification: Pathogenic for Charlevoix-Saguenay spastic ataxia. Last evaluated: 2024-01-06. Review status: criteria provided, single submitter. Criteria: ACMG Guidelines, 2015. Collection method: clinical testing. Allele origin: unknown.

Concord Molecular Medicine Laboratory, Concord Repatriation General Hospital
Classification: Pathogenic for Charlevoix-Saguenay spastic ataxia. Last evaluated: 2023-11-24. Review status: criteria provided, single submitter. Criteria: ACMG Guidelines, 2015. Collection method: clinical testing. Allele origin: germline. Inheritance: Autosomal recessive inheritance. Affected: yes. Observed: 1 compound heterozygote.
Comment: This variant has been identified in multiple individuals and families with ataxia in both homozygous and compound heterozygous state (PMID: 22816526, 19892370, 30866998). It is present in control population at a very low frequency (gnomAD All: 0.0002%). It is known to ClinVar (ID: 2572744) as likely pathogenic. Functional mouse model indicates that this variant has a pathological effect (PMID: 30866998). In silico analysis suggests this variant to be damaging (REVEL: 0.94). Another amino acid change in the same residue location has been reported by ClinVar as likely pathogenic/pathogenic variant (ID: 554404). The current evidence allows a classification of this variant as “pathogenic” (ACMG criteria: PP1_strong, PP3_strong, PM3, PM5, PS3_supporting, PM2_supporting).

GeneDx
Classification: Likely pathogenic. Last evaluated: 2023-07-11. Review status: criteria provided, single submitter. Criteria: GeneDx Variant Classification Process June 2021. Collection method: clinical testing. Allele origin: germline. Affected: yes.
Comment: Not observed at significant frequency in large population cohorts (gnomAD); In silico analysis supports that this missense variant has a deleterious effect on protein structure/function; This variant is associated with the following publications: (PMID: 26288984, 23280630, 23338241, 35008978, 30866998, 30638817, 22816526)

Labcorp Genetics (formerly Invitae), Labcorp
Classification: Pathogenic for Spastic paraplegia. Last evaluated: 2023-02-10. Review status: criteria provided, single submitter. Criteria: Invitae Variant Classification Sherloc (09022015). Collection method: clinical testing. Allele origin: germline.
Comment: Advanced modeling of protein sequence and biophysical properties (such as structural, functional, and spatial information, amino acid conservation, physicochemical variation, residue mobility, and thermodynamic stability) performed at Invitae indicates that this missense variant is expected to disrupt SACS protein function. For these reasons, this variant has been classified as Pathogenic. This missense change has been observed in individuals with hereditary spastic paraplegia (PMID: 22816526, 26288984, 30638817). This sequence change replaces arginine, which is basic and polar, with cysteine, which is neutral and slightly polar, at codon 276 of the SACS protein (p.Arg276Cys). This variant is not present in population databases (gnomAD no frequency).

Next Generation Genetic Polyclinic
Classification: Pathogenic for Charlevoix-Saguenay spastic ataxia. Review status: no assertion criteria provided. Collection method: clinical testing. Allele origin: inherited. Affected: yes. Not counted in ClinVar's aggregate classification.

Literature cited by the submitters: PubMed 22816526 (cited by 3 submitters); PubMed 26288984 (cited by Myriad Genetics, Inc. and Labcorp Genetics (formerly Invitae), Labcorp); PubMed 26344561 (cited by Myriad Genetics, Inc.); PubMed 30638817 (cited by 3 submitters).

NM_014363.6(SACS):c.826C>T (p.Arg276Cys)

Gene: SACS (sacsin molecular chaperone; minus strand). Cytogenetic location: 13q12.12.
Variant type: single nucleotide variant.
Coding change: c.826C>T on transcript NM_014363.6 (MANE Select); coding-DNA position 826, C replaced by T.
Protein change: p.Arg276Cys; replaces arginine 276 with cysteine.
Molecular consequence: missense variant.
Genome position (GRCh38, 1-based): chr13:23,355,786, G>A on the plus strand (C>T on the coding strand, the complement: SACS is on the minus strand). VCF-style: chr13-23355786-G-A. GRCh37 (hg19) VCF-style: chr13-23929925-G-A.
Other names: c.385C>T, p.Arg129Cys (NM_001278055.2); c.826C>T (NM_014363.5); short protein forms R129C, R276C.
Identifiers: ClinVar variation 2572744 (VCV002572744.9), dbSNP rs1438645077, ClinGen allele CA387551057.